The following is an entry in ClinVar:

NM_001242896.3(DEPDC5):c.2958_2959insTTTTTTTTTTTTTTTTNNNNNNNNNNTTTTTTTTTTTTTTTTTTTTTTTTTTTTTGAGACGGAGTCTCGCTCTGTCGCCCAGGCTGGAGTGCAGTGGCGGGATCTCGGCTCACTGCAAGCTCCGCCTCCTGGATGGTTTT (p.Val987delinsPhePhePhePhePheXaaXaaXaaXaaPhePhePhePhePhePhePhePhePheTer)

Gene: DEPDC5 (DEP domain containing 5, GATOR1 subcomplex subunit; plus strand). Cytogenetic location: 22q12.3.
Variant type: Insertion.
Coding change: c.2958_2959insTTTTTTTTTTTTTTTTNNNNNNNNNNTTTTTTTTTTTTTTTTTTTTTTTTTTTTTGAGACGGAGTCTCGCTCTGTCGCCCAGGCTGGAGTGCAGTGGCGGGATCTCGGCTCACTGCAAGCTCCGCCTCCTGGATGGTTTT on transcript NM_001242896.3 (MANE Select); coding-DNA positions 2958 to 2959, TTTTTTTTTTTTTTTTNNNNNNNNNNTTTTTTTTTTTTTTTTTTTTTTTTTTTTTGAGACGGAGTCTCGCTCTGTCGCCCAGGCTGGAGTGCAGTGGCGGGATCTCGGCTCACTGCAAGCTCCGCCTCCTGGATGGTTTT inserted.
Protein change: p.Val987delinsPhePhePhePhePheXaaXaaXaaXaaPhePhePhePhePhePhePhePhePheTer.
Molecular consequence: nonsense. On other transcripts: non-coding transcript variant (5).
Genome position: GRCh38: chr22:31,845,174-31,845,175. GRCh37 (hg19): chr22:32,241,160-32,241,161.
Other names: c.2931_2932insTTTTTTTTTTTTTTTTNNNNNNNNNNTTTTTTTTTTTTTTTTTTTTTTTTTTTTTGAGACGGAGTCTCGCTCTGTCGCCCAGGCTGGAGTGCAGTGGCGGGATCTCGGCTCACTGCAAGCTCCGCCTCCTGGATGGTTTT, p.Val978delinsPhePhePhePhePheXaaXaaXaaXaaPhePhePhePhePhePhePhePhePheTer (NM_001136029.4, NM_001369903.1, NM_014662.6); c.2724_2725insTTTTTTTTTTTTTTTTNNNNNNNNNNTTTTTTTTTTTTTTTTTTTTTTTTTTTTTGAGACGGAGTCTCGCTCTGTCGCCCAGGCTGGAGTGCAGTGGCGGGATCTCGGCTCACTGCAAGCTCCGCCTCCTGGATGGTTTT, p.Val909delinsPhePhePhePhePheXaaXaaXaaXaaPhePhePhePhePhePhePhePhePheTer (NM_001242897.2, NM_001363854.2, NM_001364319.2); c.2958_2959insTTTTTTTTTTTTTTTTNNNNNNNNNNTTTTTTTTTTTTTTTTTTTTTTTTTTTTTGAGACGGAGTCTCGCTCTGTCGCCCAGGCTGGAGTGCAGTGGCGGGATCTCGGCTCACTGCAAGCTCCGCCTCCTGGATGGTTTT, p.Val987delinsPhePhePhePhePheXaaXaaXaaXaaPhePhePhePhePhePhePhePhePheTer (NM_001363852.2, NM_001364318.2, NM_001364320.2); c.2874_2875insTTTTTTTTTTTTTTTTNNNNNNNNNNTTTTTTTTTTTTTTTTTTTTTTTTTTTTTGAGACGGAGTCTCGCTCTGTCGCCCAGGCTGGAGTGCAGTGGCGGGATCTCGGCTCACTGCAAGCTCCGCCTCCTGGATGGTTTT, p.Val959delinsPhePhePhePhePheXaaXaaXaaXaaPhePhePhePhePhePhePhePhePheTer (NM_001369901.1, NM_001369902.1).
Identifiers: ClinVar variation 1070820 (VCV001070820.7), dbSNP rs2149024566.

ClinVar aggregate classification (germline): Pathogenic (1 of 4 stars; one submission).

Conditions:
Familial focal epilepsy with variable foci (FPEVF). Identifiers: Orphanet 98820, MedGen C1858477, MONDO:0020310.

Submission:

Labcorp Genetics (formerly Invitae), Labcorp
Classification: Pathogenic for Familial focal epilepsy with variable foci. Last evaluated: 2024-12-19. Review status: criteria provided, single submitter. Criteria: Invitae Variant Classification Sherloc (09022015). Collection method: clinical testing. Allele origin: germline.
Comment: This sequence change inserts a large fragment of DNA, likely a transposable element, in exon 30 of the DEPDC5 gene (c.2958_2959ins?), causing a frameshift at codon 987 (p.Val987fs). The exact size and sequence of the insertion cannot be determined by the current assay. However, the insertion is expected to result in an absent or disrupted protein product. This variant is not present in population databases (gnomAD no frequency). This variant has not been reported in the literature in individuals affected with DEPDC5-related conditions. ClinVar contains an entry for this variant (Variation ID: 1070820). Retrotransposon insertions including LINE1 (L1), Alu, and SVA (SINE-VNTR-Alu) have been reported to be disease-causing through disruption of either a coding region or splice site (PMID: 19763152, 20307669, 22406018) and loss-of-function variants in DEPDC5 are known to be pathogenic (PMID: 23542697, 23542701). For these reasons, this variant has been classified as Pathogenic.

Literature cited by the submitters: PubMed 19763152; PubMed 20307669; PubMed 22406018; PubMed 23542697; PubMed 23542701.